The following is an entry in ClinVar:

ClinVar aggregate classification (germline): Uncertain significance (1 of 4 stars; one submission).

gnomAD v4.1: 4 of 1,534,636 alleles (0.00026%); highest among the groups gnomAD compares: Non-Finnish European, 0.00026%; no homozygotes.

Submission:

GeneDx
Classification: Uncertain significance. Last evaluated: 2025-03-28. Review status: criteria provided, single submitter. Criteria: GeneDx Variant Classification Process June 2021. Collection method: clinical testing. Allele origin: germline. Affected: yes.
Comment: Not observed at significant frequency in large population cohorts (gnomAD); In silico analysis indicates that this missense variant does not alter protein structure/function; Has not been previously published as pathogenic or benign to our knowledge

NM_014712.3(SETD1A):c.4103A>G (p.Glu1368Gly)

Gene: SETD1A (SET domain containing 1A, histone lysine methyltransferase; plus strand). Cytogenetic location: 16p11.2.
Variant type: single nucleotide variant.
Coding change: c.4103A>G on transcript NM_014712.3 (MANE Select); coding-DNA position 4103, A replaced by G.
Protein change: p.Glu1368Gly; replaces glutamic acid 1368 with glycine.
Molecular consequence: missense variant.
Genome position (GRCh38, 1-based): chr16:30,979,889, A>G. VCF-style: chr16-30979889-A-G. GRCh37 (hg19) VCF-style: chr16-30991210-A-G.
Other names: short protein forms E1368G.
Identifiers: ClinVar variation 4282425 (VCV004282425.1).